The following is an entry in ClinVar:

ClinVar aggregate classification (germline): Uncertain significance (1 of 4 stars; one submission).

gnomAD v4.1: 1 of 1,613,826 alleles (0.000062%); highest among the groups gnomAD compares: Non-Finnish European, 0.000085%; no homozygotes.

Submission:

Labcorp Genetics (formerly Invitae), Labcorp
Classification: Uncertain significance. Last evaluated: 2024-10-07. Review status: criteria provided, single submitter. Criteria: Invitae Variant Classification Sherloc (09022015). Collection method: clinical testing. Allele origin: germline.
Comment: This sequence change replaces glutamine, which is neutral and polar, with arginine, which is basic and polar, at codon 730 of the COL4A1 protein (p.Gln730Arg). This variant is not present in population databases (gnomAD no frequency). This variant has not been reported in the literature in individuals affected with COL4A1-related conditions. Invitae Evidence Modeling of protein sequence and biophysical properties (such as structural, functional, and spatial information, amino acid conservation, physicochemical variation, residue mobility, and thermodynamic stability) indicates that this missense variant is not expected to disrupt COL4A1 protein function with a negative predictive value of 95%. In summary, the available evidence is currently insufficient to determine the role of this variant in disease. Therefore, it has been classified as a Variant of Uncertain Significance.

NM_001845.6(COL4A1):c.2189A>G (p.Gln730Arg)

Gene: COL4A1 (collagen type IV alpha 1 chain; minus strand). Cytogenetic location: 13q34.
Variant type: single nucleotide variant.
Coding change: c.2189A>G on transcript NM_001845.6 (MANE Select); coding-DNA position 2189, A replaced by G.
Protein change: p.Gln730Arg; replaces glutamine 730 with arginine.
Molecular consequence: missense variant.
Genome position (GRCh38, 1-based): chr13:110,181,296, T>C on the plus strand (A>G on the coding strand, the complement: COL4A1 is on the minus strand). VCF-style: chr13-110181296-T-C. GRCh37 (hg19) VCF-style: chr13-110833643-T-C.
Other names: short protein forms Q730R.
Identifiers: ClinVar variation 3697394 (VCV003697394.2).